The following is an entry in ClinVar:

NM_001015878.2(AURKC):c.13A>G (p.Arg5Gly)

Gene: AURKC (aurora kinase C; plus strand). Cytogenetic location: 19q13.43.
Variant type: single nucleotide variant.
Coding change: c.13A>G on transcript NM_001015878.2 (MANE Select); coding-DNA position 13, A replaced by G.
Protein change: p.Arg5Gly; replaces arginine 5 with glycine.
Molecular consequence: missense variant. On other transcripts: intron variant (2).
Genome position (GRCh38, 1-based): chr19:57,231,261, A>G. VCF-style: chr19-57231261-A-G. GRCh37 (hg19) VCF-style: chr19-57742629-A-G.
Other names: c.-45+142A>G (NM_003160.3); c.1+147A>G (NM_001015879.2); short protein forms R5G.
Identifiers: ClinVar variation 2412569 (VCV002412569.4), dbSNP rs141765733, ClinGen allele CA9695816.
Genomic context (GRCh38, chr19:57,231,261, plus strand): 5'-CCATCCAGAGGGTTCAGGAAGGCGTCCGCGCCCTCACCTCTTCTCCCCATGAGCTCCCCC[A>G]GAGCTGTGGTGCAGCTGGGCAAAGCTCAACCTGCAGGCGAAGAGTGTGAGAGCCAGCGCC-3'
Protein context (NP_001015878.1, residues 1-15): MSSP[Arg5Gly]AVVQLGKAQP

ClinVar aggregate classification (germline): Uncertain significance (1 of 4 stars; one submission).

Conditions:
Inborn genetic diseases. Identifiers: MedGen C0950123, MeSH D030342.

Allele frequency attached by ClinVar (database versions not stated): ESP Exome Variant Server 0.00008; gnomAD exomes 0.00003; ExAC 0.00010; gnomAD 0.00011; 1000 Genomes Project 30x 0.00031; TOPMed 0.00015; 1000 Genomes Project 0.00040.
gnomAD v4.1: 58 of 1,551,936 alleles (0.0037%); highest among the groups gnomAD compares: African/African-American, 0.055%; no homozygotes.

Submission:

Ambry Genetics
Classification: Uncertain significance for Inborn genetic diseases. Last evaluated: 2026-07-01. Review status: criteria provided, single submitter. Criteria: Ambry Variant Classification Scheme 2023. Collection method: clinical testing. Allele origin: germline.
Comment: The p.R5G variant (also known as c.13A>G), located in coding exon 1 of the AURKC gene, results from an A to G substitution at nucleotide position 13. The arginine at codon 5 is replaced by glycine, an amino acid with dissimilar properties. This amino acid position is conserved. In addition, this alteration is predicted to be tolerated by in silico analysis. Based on the available evidence, the clinical significance of this variant remains unclear.